The following is an entry in ClinVar:

ClinVar aggregate classification (germline): Uncertain significance. Review status: criteria provided, multiple submitters, no conflicts (2 of 4 stars). 2 submissions from 2 submitters: Uncertain significance (2). Last evaluated 2025-02-12.

Conditions:
Epidermolysis bullosa simplex with nail dystrophy (EBS5D). Identifiers: MedGen C4225309, MONDO:0014661, OMIM 616487.
Epidermolysis bullosa simplex, Ogna type (EBS5A). Also called: Pidermolysis bullosa simplex 5A, Ogna type; EPIDERMOLYSIS BULLOSA SIMPLEX 5A, OGNA TYPE. Identifiers: Orphanet 79401, MedGen C0432317, MONDO:0007555, OMIM 131950.
Autosomal recessive limb-girdle muscular dystrophy type 2Q (LGMDR17). Also called: MUSCULAR DYSTROPHY, LIMB-GIRDLE, AUTOSOMAL RECESSIVE 17. Identifiers: Orphanet 254361, MedGen C3150989, MONDO:0013390, OMIM 613723.
Epidermolysis bullosa simplex 5B, with muscular dystrophy (EBS5B). Also called: EPIDERMOLYSIS BULLOSA SIMPLEX AND LIMB-GIRDLE MUSCULAR DYSTROPHY; Epidermolysis bullosa simplex with muscular dystrophy. Identifiers: Orphanet 257, MedGen C2931072, MONDO:0009181, OMIM 226670.
Epidermolysis bullosa simplex 5C, with pyloric atresia (EBS5C). Also called: PLEC-Related Epidermolysis Bullosa with Pyloric Atresia; Epidermolysis bullosa simplex with pyloric atresia; PLEC1-Related Epidermolysis Bullosa with Pyloric Atresia. Identifiers: Orphanet 158684, MedGen C2677349, MONDO:0012807, OMIM 612138.
Inborn genetic diseases. Identifiers: MedGen C0950123, MeSH D030342.

Allele frequency attached by ClinVar (database versions not stated): gnomAD exomes below 0.00001.
gnomAD v4.1: 2 of 1,611,352 alleles (0.00012%); highest among the groups gnomAD compares: Non-Finnish European, 0.000085%; no homozygotes.

Submissions (2):

Ambry Genetics
Classification: Uncertain significance for Inborn genetic diseases. Last evaluated: 2025-02-12. Review status: criteria provided, single submitter. Criteria: Ambry Variant Classification Scheme 2023. Collection method: clinical testing. Allele origin: germline.

Labcorp Genetics (formerly Invitae), Labcorp
Classification: Uncertain significance for Autosomal recessive limb-girdle muscular dystrophy type 2Q; Epidermolysis bullosa simplex, Ogna type; Epidermolysis bullosa simplex with nail dystrophy; Epidermolysis bullosa simplex 5C, with pyloric atresia; Epidermolysis bullosa simplex 5B, with muscular dystrophy. Last evaluated: 2023-12-02. Review status: criteria provided, single submitter. Criteria: Invitae Variant Classification Sherloc (09022015). Collection method: clinical testing. Allele origin: germline.
Comment: This sequence change replaces leucine, which is neutral and non-polar, with arginine, which is basic and polar, at codon 3239 of the PLEC protein (p.Leu3239Arg). This variant is not present in population databases (gnomAD no frequency). This variant has not been reported in the literature in individuals affected with PLEC-related conditions. An algorithm developed to predict the effect of missense changes on protein structure and function (PolyPhen-2) suggests that this variant is likely to be disruptive. In summary, the available evidence is currently insufficient to determine the role of this variant in disease. Therefore, it has been classified as a Variant of Uncertain Significance.

NM_201384.3(PLEC):c.9635T>G (p.Leu3212Arg)

Gene: PLEC (plectin; minus strand). Cytogenetic location: 8q24.3.
Variant type: single nucleotide variant.
Coding change: c.9635T>G on transcript NM_201384.3 (MANE Select); coding-DNA position 9635, T replaced by G.
Protein change: p.Leu3212Arg; replaces leucine 3212 with arginine.
Molecular consequence: missense variant.
Genome position (GRCh38, 1-based): chr8:143,920,186, A>C on the plus strand (T>G on the coding strand, the complement: PLEC is on the minus strand). VCF-style: chr8-143920186-A-C. GRCh37 (hg19) VCF-style: chr8-144994354-A-C.
Other names: c.9716T>G, p.Leu3239Arg (NM_000445.5); c.6335T>G, p.Leu2112Arg (NM_001410941.1); c.9593T>G, p.Leu3198Arg (NM_201378.4); c.9569T>G, p.Leu3190Arg (NM_201379.3); c.10046T>G, p.Leu3349Arg (NM_201380.4); c.9539T>G, p.Leu3180Arg (NM_201381.3); c.9635T>G, p.Leu3212Arg (NM_201382.4); c.9647T>G, p.Leu3216Arg (NM_201383.3); and 1 more; short protein forms L3198R, L2112R, L3190R, L3212R, L3180R, L3349R, L3216R, L3239R.
Identifiers: ClinVar variation 2945771 (VCV002945771.4), dbSNP rs893124902, ClinGen allele CA187609922.